The following is an entry in ClinVar:

ClinVar aggregate classification (germline): Uncertain significance (1 of 4 stars; one submission).

Submission:

Ambry Genetics
Classification: Uncertain significance. Last evaluated: 2022-01-01. Review status: criteria provided, single submitter. Criteria: Ambry Variant Classification Scheme 2023. Collection method: clinical testing. Allele origin: germline.
Comment: The p.R2052K variant (also known as c.6155G>A), located in coding exon 10 of the ALPK2 gene, results from a G to A substitution at nucleotide position 6155. The arginine at codon 2052 is replaced by lysine, an amino acid with highly similar properties. This amino acid position is conserved. In addition, this alteration is predicted to be tolerated by in silico analysis. Since supporting evidence is limited at this time, the clinical significance of this alteration remains unclear.

NM_052947.4(ALPK2):c.6155G>A (p.Arg2052Lys)

Gene: ALPK2 (alpha kinase 2; minus strand). Cytogenetic location: 18q21.31.
Variant type: single nucleotide variant.
Coding change: c.6155G>A on transcript NM_052947.4 (MANE Select); coding-DNA position 6155, G replaced by A.
Protein change: p.Arg2052Lys; replaces arginine 2052 with lysine.
Molecular consequence: missense variant.
Genome position (GRCh38, 1-based): chr18:58,504,023, C>T on the plus strand (G>A on the coding strand, the complement: ALPK2 is on the minus strand). VCF-style: chr18-58504023-C-T. GRCh37 (hg19) VCF-style: chr18-56171255-C-T.
Other names: short protein forms R2052K.
Identifiers: ClinVar variation 1751900 (VCV001751900.2), dbSNP rs2518854966, ClinGen allele CA402543995.